The following is an entry in ClinVar:

NM_001621.5(AHR):c.829A>G (p.Ile277Val)

Gene: AHR (aryl hydrocarbon receptor; plus strand). Cytogenetic location: 7p21.1.
Variant type: single nucleotide variant.
Coding change: c.829A>G on transcript NM_001621.5 (MANE Select); coding-DNA position 829, A replaced by G.
Protein change: p.Ile277Val; replaces isoleucine 277 with valine.
Molecular consequence: missense variant.
Genome position (GRCh38, 1-based): chr7:17,334,035, A>G. VCF-style: chr7-17334035-A-G. GRCh37 (hg19) VCF-style: chr7-17373659-A-G.
Other names: short protein forms I277V.
Identifiers: ClinVar variation 1004831 (VCV001004831.7), dbSNP rs566146872, ClinGen allele CA4171949.

ClinVar aggregate classification (germline): Uncertain significance (1 of 4 stars; one submission).

Allele frequency attached by ClinVar (database versions not stated): gnomAD exomes 0.00002 and 0.00010; TOPMed 0.00003; gnomAD 0.00006; ExAC 0.00009; 1000 Genomes Project 30x 0.00016; 1000 Genomes Project 0.00020.
gnomAD v4.1: 46 of 1,613,560 alleles (0.0029%); highest among the groups gnomAD compares: East Asian, 0.06%; no homozygotes.

Submission:

Labcorp Genetics (formerly Invitae), Labcorp
Classification: Uncertain significance. Last evaluated: 2025-12-16. Review status: criteria provided, single submitter. Criteria: Invitae Variant Classification Sherloc (09022015). Collection method: clinical testing. Allele origin: germline.
Comment: This sequence change replaces isoleucine, which is neutral and non-polar, with valine, which is neutral and non-polar, at codon 277 of the AHR protein (p.Ile277Val). This variant is present in population databases (rs566146872, gnomAD 0.1%). This variant has not been reported in the literature in individuals affected with AHR-related conditions. ClinVar contains an entry for this variant (Variation ID: 1004831). An algorithm developed to predict the effect of missense changes on protein structure and function (PolyPhen-2) suggests that this variant is likely to be tolerated. Experimental studies have shown that this missense change does not substantially affect AHR function (PMID: 20817071). In summary, the available evidence is currently insufficient to determine the role of this variant in disease. Therefore, it has been classified as a Variant of Uncertain Significance.

Literature cited by the submitters: PubMed 20817071.